The following is an entry in ClinVar:

ClinVar aggregate classification (germline): Pathogenic. Review status: criteria provided, multiple submitters, no conflicts (2 of 4 stars). 10 submissions from 10 submitters: Pathogenic (9). 1 of the submissions does not count toward it. Last evaluated 2025-08-25.

Conditions:
PCDH19-related disorder. Also called: PCDH19-related condition.
Developmental and epileptic encephalopathy, 9 (DEE9). Also called: EPILEPSY, FEMALE-RESTRICTED, WITH MENTAL RETARDATION; PCDH19-Related X-Linked Female-Limited Epilepsy with Mental Retardation; Early infantile epileptic encephalopathy 9; JUBERG-HELLMAN SYNDROME. Identifiers: Orphanet 101039, Orphanet 2076, MedGen C1848137, MONDO:0010246, OMIM 300088. Disease mechanism: loss of function.
Generalized non-motor (absence) seizure. Identifiers: MedGen C4316903, HP:0002121.
Global developmental delay (DD). Also called: Cognitive delay. Identifiers: MedGen C0557874, HP:0001263. Disease mechanism: loss of function.
Bilateral tonic-clonic seizure. Also called: Generalized tonic-clonic seizures. Identifiers: MedGen C0494475, HP:0002069.
Prominent fingertip pads. Identifiers: MedGen C1835807, HP:0001212.
Strabismus. Identifiers: MedGen C0038379, MONDO:0003432, HP:0000486.
Long palpebral fissure. Identifiers: MedGen C1849340, HP:0000637.
Delayed speech and language development. Also called: Language delay. Identifiers: MedGen C0454644, HP:0000750.
Frontal cortical atrophy. Identifiers: MedGen C4024965, HP:0006913.
Temporal cortical atrophy. Identifiers: MedGen C4024936, HP:0007112.
Hand tremor. Identifiers: MedGen C0239842, HP:0002378.
Generalized-onset seizure. Also called: Generalized seizures. Identifiers: MedGen C0234533, HP:0002197.

Submissions (10):

Variantyx, Inc.
Classification: Pathogenic for Developmental and epileptic encephalopathy, 9. Last evaluated: 2025-08-25. Review status: criteria provided, single submitter. Criteria: Variantyx Assertion Criteria 2022. Collection method: clinical testing. Allele origin: maternal. Inheritance: X-linked inheritance.
Comment: This is a frameshift variant in the PCDH19 gene (OMIM: 300460). Pathogenic variants in this gene have been associated with X-linked developmental and epileptic encephalopathy 9. This variant introduces a premature termination codon in exon 1 out of 4 and is expected to result in loss of function, which is a known disease mechanism for PCDH19 in this disorder (PMID: 21053371) (PVS1). This variant has been reported in several unrelated affected individuals (PMID: 22050978, 27527380) (PS4), and has a 0.0028% maximum allele frequency in non-founder control populations (PM2). Based on the current evidence, this variant is classified as pathogenic for X-linked developmental and epileptic encephalopathy 9.

Labcorp Genetics (formerly Invitae), Labcorp
Classification: Pathogenic for Developmental and epileptic encephalopathy, 9. Last evaluated: 2024-12-02. Review status: criteria provided, single submitter. Criteria: Invitae Variant Classification Sherloc (09022015). Collection method: clinical testing. Allele origin: germline.
Comment: This sequence change creates a premature translational stop signal (p.Tyr366Leufs*10) in the PCDH19 gene. It is expected to result in an absent or disrupted protein product. Loss-of-function variants in PCDH19 are known to be pathogenic (PMID: 21053371). The frequency data for this variant in the population databases is considered unreliable, as metrics indicate poor data quality at this position in the gnomAD database. This premature translational stop signal has been observed in individual(s) with epilepsy and intellectual disability (PMID: 18469813, 22267240, 22946748, 23334464, 27143072, 27527380). It has also been observed to segregate with disease in related individuals. ClinVar contains an entry for this variant (Variation ID: 206353). For these reasons, this variant has been classified as Pathogenic.

GeneDx
Classification: Pathogenic. Last evaluated: 2023-10-11. Review status: criteria provided, single submitter. Criteria: GeneDx Variant Classification Process June 2021. Collection method: clinical testing. Allele origin: germline. Affected: yes.
Comment: Frameshift variant predicted to result in protein truncation or nonsense mediated decay in a gene for which loss-of-function is a known mechanism of disease; Not observed at significant frequency in large population cohorts (gnomAD); Also known as c.1091_1092insC; This variant is associated with the following publications: (PMID: 23871722, 22050978, 27527380, 29056246, 27143072, 29301106, 29377098, 30451291, 31714027, 33262389, 33149276, 34177756, 18469813)

Blueprint Genetics
Classification: Pathogenic for PCDH19-related disorders. Last evaluated: 2023-05-04. Review status: criteria provided, single submitter. Criteria: ACMG Guidelines, 2015. Collection method: clinical testing. Allele origin: germline. Affected: yes. Observed: 3 variant alleles.

Mendelics
Classification: Pathogenic for Developmental and epileptic encephalopathy, 9. Last evaluated: 2022-05-04. Review status: criteria provided, single submitter. Criteria: Mendelics Assertion Criteria 2019. Collection method: clinical testing. Allele origin: germline.

CeGaT Center for Human Genetics Tuebingen
Classification: Pathogenic. Last evaluated: 2019-08-01. Review status: criteria provided, single submitter. Criteria: CeGaT Center For Human Genetics Tuebingen Variant Classification Criteria Version 2. Collection method: clinical testing. Allele origin: germline. Affected: yes. Observed: 4 variant alleles.

Centre for Mendelian Genomics, University Medical Centre Ljubljana
Classification: Pathogenic for Generalized non-motor (absence) seizure; Delayed speech and language development; Frontal cortical atrophy; Generalized-onset seizure; Bilateral tonic-clonic seizure; Global developmental delay; Hand tremor; Long palpebral fissure; Prominent fingertip pads; Strabismus; Temporal cortical atrophy. Last evaluated: 2017-01-01. Review status: criteria provided, single submitter. Criteria: ACMG Guidelines, 2015. Collection method: clinical testing. Allele origin: unknown. Affected: yes.

Center for Human Genetics, Inc
Classification: Pathogenic for Developmental and epileptic encephalopathy, 9. Last evaluated: 2016-11-01. Review status: criteria provided, single submitter. Criteria: ACMG Guidelines, 2015. Collection method: clinical testing. Allele origin: germline. Affected: yes.

Eurofins Ntd Llc (ga)
Classification: Pathogenic. Last evaluated: 2015-05-29. Review status: criteria provided, single submitter. Criteria: EGL Classification Definitions. Collection method: clinical testing. Allele origin: germline. Observed: 1 variant allele, 1 heterozygote.

OMIM
Classification: Pathogenic for DEVELOPMENTAL AND EPILEPTIC ENCEPHALOPATHY 9. Last evaluated: 2008-06-01. Review status: no assertion criteria provided. Collection method: literature only. Allele origin: germline. Not counted in ClinVar's aggregate classification.

Literature cited by the submitters: PubMed 21053371 (cited by Variantyx, Inc. and Labcorp Genetics (formerly Invitae), Labcorp); PubMed 22050978 (cited by Variantyx, Inc.); PubMed 27527380 (cited by Variantyx, Inc. and Labcorp Genetics (formerly Invitae), Labcorp); PubMed 18469813 (cited by 3 submitters); PubMed 22267240 (cited by Labcorp Genetics (formerly Invitae), Labcorp); PubMed 22946748 (cited by Labcorp Genetics (formerly Invitae), Labcorp); PubMed 23334464 (cited by Labcorp Genetics (formerly Invitae), Labcorp); PubMed 27143072 (cited by Labcorp Genetics (formerly Invitae), Labcorp); PubMed 5116697 (cited by OMIM).

NM_001184880.2(PCDH19):c.1091dup (p.Tyr366fs)

Gene: PCDH19 (protocadherin 19; minus strand). Cytogenetic location: Xq22.1.
Variant type: Duplication.
Coding change: c.1091dup on transcript NM_001184880.2 (MANE Select); coding-DNA position 1091, one base duplicated (C; older notation c.1091dupC).
Protein change: p.Tyr366fs; shifts the reading frame from tyrosine 366.
Molecular consequence: frameshift variant.
Genome position (GRCh38, 1-based): chrX:100,407,507, G duplicated on the plus strand (C on the coding strand, the reverse complement: PCDH19 is on the minus strand); the first of 7 consecutive G bases (chrX:100,407,507-100,407,513); duplicating any one gives the same sequence. VCF-style (leftmost placement, unchanged base first): chrX-100407506-C-CG. GRCh37 (hg19) VCF-style: chrX-99662504-C-CG.
Other names: c.1091dup, p.Tyr366fs (NM_001105243.2, NM_020766.3); c.1091dup (NM_001184880.1); short protein forms Y366fs.
Identifiers: ClinVar variation 206353 (VCV000206353.63), dbSNP rs758946412, ClinGen allele CA200395.